The following is an entry in ClinVar:

ClinVar aggregate classification (germline): Likely benign (1 of 4 stars; one submission).

Submission:

CeGaT Center for Human Genetics Tuebingen
Classification: Likely benign. Last evaluated: 2022-04-01. Review status: criteria provided, single submitter. Criteria: CeGaT Center For Human Genetics Tuebingen Variant Classification Criteria Version 2. Collection method: clinical testing. Allele origin: germline. Affected: yes. Observed: 1 variant allele.
Comment: RAB13: PM2:Supporting, BP4, BP7

NM_002870.5(RAB13):c.360G>C (p.Gly120=)

Gene: RAB13 (RAB13, member RAS oncogene family; minus strand). Cytogenetic location: 1q21.3.
Variant type: single nucleotide variant.
Coding change: c.360G>C on transcript NM_002870.5 (MANE Select); coding-DNA position 360, G replaced by C.
Protein change: p.Gly120=; no amino-acid change (glycine 120 retained).
Molecular consequence: synonymous variant. On other transcripts: non-coding transcript variant (1).
Genome position (GRCh38, 1-based): chr1:153,982,773, C>G on the plus strand (G>C on the coding strand, the complement: RAB13 is on the minus strand). VCF-style: chr1-153982773-C-G. GRCh37 (hg19) VCF-style: chr1-153955249-C-G.
Other names: c.117G>C, p.Gly39= (NM_001272038.2).
Identifiers: ClinVar variation 2639365 (VCV002639365.24), dbSNP rs1334121342, ClinGen allele CA420866040.